The following is an entry in ClinVar:

NM_004415.4(DSP):c.888C>T (p.Tyr296=)

Gene: DSP (desmoplakin; plus strand). Cytogenetic location: 6p24.3.
Variant type: single nucleotide variant.
Coding change: c.888C>T on transcript NM_004415.4 (MANE Select); coding-DNA position 888, C replaced by T.
Protein change: p.Tyr296=; no amino-acid change (tyrosine 296 retained).
Molecular consequence: synonymous variant.
Genome position (GRCh38, 1-based): chr6:7,565,469, C>T. VCF-style: chr6-7565469-C-T. GRCh37 (hg19) VCF-style: chr6-7565702-C-T.
Other names: c.888C>T, p.Tyr296= (NM_001008844.3, NM_001319034.2); c.888C>T (NM_004415.3).
Identifiers: ClinVar variation 699815 (VCV000699815.13), dbSNP rs149701627, ClinGen allele CA052938.

ClinVar aggregate classification (germline): Likely benign. Review status: criteria provided, multiple submitters, no conflicts (2 of 4 stars). 5 submissions from 5 submitters: Likely benign (5). Last evaluated 2026-06-17.

Conditions:
Arrhythmogenic cardiomyopathy with wooly hair and keratoderma. Also called: PALMOPLANTAR KERATODERMA WITH LEFT VENTRICULAR CARDIOMYOPATHY AND WOOLLY HAIR; Dilated cardiomyopathy with woolly hair and keratoderma; Arrhythmogenic cardiomyopathy with woolly hair and keratoderma; Carvajal syndrome. Identifiers: Orphanet 65282, MedGen C1854063, MONDO:0011581, OMIM 605676.
Arrhythmogenic right ventricular dysplasia 8 (ARVD8). Also called: Arrhythmogenic Right Ventricular Dysplasia/Cardiomyopathy 8; ARRHYTHMOGENIC RIGHT VENTRICULAR DYSPLASIA, FAMILIAL, 8; ARRHYTHMOGENIC RIGHT VENTRICULAR CARDIOMYOPATHY 8. Identifiers: MedGen C1843896, MONDO:0011831, OMIM 607450.
Cardiovascular phenotype. Identifiers: MedGen CN230736.
Cardiomyopathy, dilated, with wooly hair, keratoderma, and tooth agenesis. Also called: Erythrokeratodermia-cardiomyopathy syndrome; Cardiomyopathy, dilated, with woolly hair, keratoderma, and tooth agenesis. Identifiers: Orphanet 476096, Orphanet 65282, MedGen C4014393, MONDO:0014355, OMIM 615821.
Keratosis palmoplantaris striata 2. Also called: Keratosis palmoplantaris striata II; KERATODERMA, PALMOPLANTAR, STRIATE FORM II; STRIATE PALMOPLANTAR KERATODERMA II. Identifiers: MedGen C1852127, MONDO:0013034, OMIM 612908.
Lethal acantholytic epidermolysis bullosa (EBLA). Identifiers: Orphanet 158687, MedGen C1864826, MONDO:0012323, OMIM 609638.
Woolly hair-skin fragility syndrome (WHSF). Identifiers: Orphanet 293165, MedGen C1843292, MONDO:0957307, OMIM 620415.
Cardiomyopathy (CMYO). Also called: Cardiomyopathies. Identifiers: Orphanet 167848, MedGen C0878544, MONDO:0004994, HP:0001638. Inheritance: Various modes of inheritance.
DSP-related disorder. Also called: DSP-related condition; DSP-related disorders.

Allele frequency attached by ClinVar (database versions not stated): gnomAD exomes 0.00002 and 0.00008; ExAC 0.00007; TOPMed 0.00007; ESP Exome Variant Server 0.00008; gnomAD 0.00008 and 0.00009; 1000 Genomes Project 0.00020; 1000 Genomes Project 30x 0.00016.
gnomAD v4.1: 54 of 1,614,036 alleles (0.0033%); highest among the groups gnomAD compares: Middle Eastern, 0.05%; 2 homozygotes.

Submissions (5):

PreventionGenetics, part of Exact Sciences
Classification: Likely benign for DSP-related condition. Last evaluated: 2026-06-17. Review status: criteria provided, single submitter. Criteria: ACMG Guidelines, 2015. Collection method: clinical testing. Allele origin: germline.
Comment: This variant is classified as likely benign based on ACMG/AMP sequence variant interpretation guidelines (Richards et al. 2015 PMID: 25741868, with internal and published modifications).

Labcorp Genetics (formerly Invitae), Labcorp
Classification: Likely benign for Arrhythmogenic cardiomyopathy with wooly hair and keratoderma; Arrhythmogenic right ventricular dysplasia 8. Last evaluated: 2026-01-28. Review status: criteria provided, single submitter. Criteria: Invitae Variant Classification Sherloc (09022015). Collection method: clinical testing. Allele origin: germline.

Fulgent Genetics
Classification: Likely benign for Arrhythmogenic cardiomyopathy with wooly hair and keratoderma; Arrhythmogenic right ventricular dysplasia 8; Lethal acantholytic epidermolysis bullosa; Keratosis palmoplantaris striata 2; Cardiomyopathy, dilated, with wooly hair, keratoderma, and tooth agenesis. Last evaluated: 2021-10-26. Review status: criteria provided, single submitter. Criteria: ACMG Guidelines, 2015. Collection method: clinical testing. Allele origin: unknown.

Color Diagnostics, LLC DBA Color Health
Classification: Likely benign for Cardiomyopathy. Last evaluated: 2018-11-08. Review status: criteria provided, single submitter. Criteria: ACMG Guidelines, 2015. Collection method: clinical testing. Allele origin: germline.

Ambry Genetics
Classification: Likely benign for Cardiovascular phenotype. Last evaluated: 2018-09-21. Review status: criteria provided, single submitter. Criteria: Ambry Variant Classification Scheme 2023. Collection method: clinical testing. Allele origin: germline.